The following is an entry in ClinVar:

NM_004991.4(MECOM):c.521G>C (p.Arg174Thr)

Gene: MECOM (MDS1 and EVI1 complex locus; minus strand). Cytogenetic location: 3q26.2.
Variant type: single nucleotide variant.
Coding change: c.521G>C on transcript NM_004991.4 (MANE Select); coding-DNA position 521, G replaced by C.
Protein change: p.Arg174Thr; replaces arginine 174 with threonine.
Molecular consequence: missense variant. On other transcripts: 5 prime UTR variant (12).
Genome position (GRCh38, 1-based): chr3:169,131,521, C>G on the plus strand (G>C on the coding strand, the complement: MECOM is on the minus strand). VCF-style: chr3-169131521-C-G. GRCh37 (hg19) VCF-style: chr3-168849309-C-G.
Other names: c.149G>C, p.Arg50Thr (NM_001105077.4); c.-44G>C (NM_001105078.4, NM_001163999.2, NM_001164000.2 and 9 more transcripts); c.521G>C, p.Arg174Thr (NM_001366466.2, NM_001366473.2); short protein forms R50T, R174T.
Identifiers: ClinVar variation 3871642 (VCV003871642.1).
Genomic context (GRCh38, chr3:169,131,521, plus strand): 5'-TAGTCTTCGCTCTTCATGAACAGCAGAAGCTCCTCTCCCGGCGCAATGTCTGCAACTACT[C>G]TATAGAATATCTTTAAAGACAAAATAAAGGTGGATGGAATCAGGAAAGAGAGAGATGTAT-3'
Protein context (NP_004982.2, residues 164-184): ACQINDQIFY[Arg174Thr]VVADIAPGEE

ClinVar aggregate classification (germline): Uncertain significance (1 of 4 stars; one submission).

Conditions:
Inborn genetic diseases. Identifiers: MedGen C0950123, MeSH D030342.

gnomAD v4.1: 3 of 1,611,970 alleles (0.00019%); highest among the groups gnomAD compares: Non-Finnish European, 0.00025%; no homozygotes.

Submission:

Ambry Genetics
Classification: Uncertain significance for Inborn genetic diseases. Last evaluated: 2024-12-26. Review status: criteria provided, single submitter. Criteria: Ambry Variant Classification Scheme 2023. Collection method: clinical testing. Allele origin: germline.
Comment: The p.R174T variant (also known as c.521G>C), located in coding exon 4 of the MECOM gene, results from a G to C substitution at nucleotide position 521. The arginine at codon 174 is replaced by threonine, an amino acid with similar properties. This amino acid position is conserved. In addition, this alteration is predicted to be tolerated by in silico analysis. Based on the available evidence, the clinical significance of this variant remains unclear.